The following is an entry in ClinVar:

ClinVar aggregate classification (germline): Pathogenic. Review status: criteria provided, multiple submitters, no conflicts (2 of 4 stars). 2 submissions from 2 submitters: Pathogenic (2). Last evaluated 2024-01-18.

Conditions:
Biotin-responsive basal ganglia disease (BTBGD). Also called: Thiamine Transporter-2 Deficiency; Thiamine metabolism dysfunction syndrome 2 (biotin- or thiamine-responsive encephalopathy type 2); thiamine-responsive encephalopathy; THIAMINE METABOLISM DYSFUNCTION SYNDROME 2 (BIOTIN- AND THIAMINE-RESPONSIVE TYPE); Thiamine metabolism dysfunction syndrome type 2. Identifiers: Orphanet 199348, Orphanet 65284, MedGen C1843807, MONDO:0011841, OMIM 607483.

Submissions (2):

Labcorp Genetics (formerly Invitae), Labcorp
Classification: Pathogenic for Biotin-responsive basal ganglia disease. Last evaluated: 2024-01-18. Review status: criteria provided, single submitter. Criteria: Invitae Variant Classification Sherloc (09022015). Collection method: clinical testing. Allele origin: germline.
Comment: This sequence change creates a premature translational stop signal (p.Val58Phefs*46) in the SLC19A3 gene. It is expected to result in an absent or disrupted protein product. Loss-of-function variants in SLC19A3 are known to be pathogenic (PMID: 23423671, 23482991). This variant is not present in population databases (gnomAD no frequency). This variant has not been reported in the literature in individuals affected with SLC19A3-related conditions. ClinVar contains an entry for this variant (Variation ID: 1216993). Algorithms developed to predict the effect of sequence changes on RNA splicing suggest that this variant may disrupt the consensus splice site. For these reasons, this variant has been classified as Pathogenic.

GeneDx
Classification: Pathogenic. Last evaluated: 2020-09-16. Review status: criteria provided, single submitter. Criteria: GeneDx Variant Classification Process June 2021. Collection method: clinical testing. Allele origin: germline. Affected: yes.
Comment: Has not been previously published as pathogenic or benign to our knowledge; Frameshift variant predicted to result in protein truncation or nonsense mediated decay in a gene for which loss-of-function is a known mechanism of disease; Not observed in large population cohorts (Lek et al., 2016)

Literature cited by the submitters: PubMed 23423671 (cited by Labcorp Genetics (formerly Invitae), Labcorp); PubMed 23482991 (cited by Labcorp Genetics (formerly Invitae), Labcorp).

NM_025243.4(SLC19A3):c.171del (p.Val58fs)

Gene: SLC19A3 (solute carrier family 19 member 3; minus strand). Cytogenetic location: 2q36.3.
Variant type: Deletion.
Coding change: c.171del on transcript NM_025243.4 (MANE Select); coding-DNA position 171, one base deleted (C; older notation c.171delC).
Protein change: p.Val58fs; shifts the reading frame from valine 58.
Molecular consequence: frameshift variant.
Genome position (GRCh38, 1-based): chr2:227,699,544, G deleted on the plus strand (C on the coding strand, the reverse complement: SLC19A3 is on the minus strand); the first of 4 consecutive G bases (chr2:227,699,544-227,699,547); deleting any one gives the same sequence. VCF-style (leftmost placement, unchanged base first): chr2-227699543-CG-C. GRCh37 (hg19) VCF-style: chr2-228564259-CG-C.
Other names: c.171del, p.Val58fs (NM_001371411.1, NM_001371412.1); c.159del, p.Val54fs (NM_001371413.1, NM_001371414.1); short protein forms V54fs, V58fs.
Identifiers: ClinVar variation 1216993 (VCV001216993.6), dbSNP rs2106329702, ClinGen allele CA2499215760.